The following is an entry in ClinVar:

ClinVar aggregate classification (germline): Uncertain significance. Review status: criteria provided, multiple submitters, no conflicts (2 of 4 stars). 2 submissions from 2 submitters: Uncertain significance (2). Last evaluated 2025-03-28.

Conditions:
NAA15-related disorder.

Allele frequency attached by ClinVar (database versions not stated): 1000 Genomes Project 30x 0.00016; 1000 Genomes Project 0.00020.
gnomAD v4.1: 3 of 1,605,762 alleles (0.00019%); highest among the groups gnomAD compares: Admixed American, 0.005%; no homozygotes.

Submissions (2):

PreventionGenetics, part of Exact Sciences
Classification: Uncertain significance for NAA15-related condition. Last evaluated: 2025-03-28. Review status: criteria provided, single submitter. Criteria: ACMG Guidelines, 2015. Collection method: clinical testing. Allele origin: germline.
Comment: The NAA15 c.1237G>T variant is predicted to result in the amino acid substitution p.Val413Leu. To our knowledge, this variant has not been reported in the literature. This variant is reported in 0.0030% of alleles in individuals of Latino descent in gnomAD. At this time, the clinical significance of this variant is uncertain due to the absence of conclusive functional and genetic evidence.

Labcorp Genetics (formerly Invitae), Labcorp
Classification: Uncertain significance. Last evaluated: 2025-01-20. Review status: criteria provided, single submitter. Criteria: Invitae Variant Classification Sherloc (09022015). Collection method: clinical testing. Allele origin: germline.
Comment: This sequence change replaces valine, which is neutral and non-polar, with leucine, which is neutral and non-polar, at codon 413 of the NAA15 protein (p.Val413Leu). This variant is present in population databases (rs575715969, gnomAD 0.003%). This variant has not been reported in the literature in individuals affected with NAA15-related conditions. ClinVar contains an entry for this variant (Variation ID: 2717228). An algorithm developed to predict the effect of missense changes on protein structure and function (PolyPhen-2) suggests that this variant is likely to be tolerated. In summary, the available evidence is currently insufficient to determine the role of this variant in disease. Therefore, it has been classified as a Variant of Uncertain Significance.

NM_057175.5(NAA15):c.1237G>T (p.Val413Leu)

Gene: NAA15 (N-alpha-acetyltransferase 15, NatA auxiliary subunit; plus strand). Cytogenetic location: 4q31.1.
Variant type: single nucleotide variant.
Coding change: c.1237G>T on transcript NM_057175.5 (MANE Select); coding-DNA position 1237, G replaced by T.
Protein change: p.Val413Leu; replaces valine 413 with leucine.
Molecular consequence: missense variant.
Genome position (GRCh38, 1-based): chr4:139,357,535, G>T. VCF-style: chr4-139357535-G-T. GRCh37 (hg19) VCF-style: chr4-140278689-G-T.
Other names: c.1237G>T (NM_057175.3); c.1237G>T, p.Val413Leu (NM_001410842.1, NM_025085.2); short protein forms V413L.
Identifiers: ClinVar variation 2717228 (VCV002717228.6), dbSNP rs575715969, ClinGen allele CA3083589.